The following is an entry in ClinVar:

NM_015450.3(POT1):c.1423C>G (p.Pro475Ala)

Gene: POT1 (protection of telomeres 1; minus strand). Cytogenetic location: 7q31.33.
Variant type: single nucleotide variant.
Coding change: c.1423C>G on transcript NM_015450.3 (MANE Select); coding-DNA position 1423, C replaced by G.
Protein change: p.Pro475Ala; replaces proline 475 with alanine.
Molecular consequence: missense variant. On other transcripts: non-coding transcript variant (3).
Genome position (GRCh38, 1-based): chr7:124,835,361, G>C on the plus strand (C>G on the coding strand, the complement: POT1 is on the minus strand). VCF-style: chr7-124835361-G-C. GRCh37 (hg19) VCF-style: chr7-124475415-G-C.
Other names: c.1030C>G, p.Pro344Ala (NM_001042594.2); short protein forms P344A, P475A.
Identifiers: ClinVar variation 1772307 (VCV001772307.3), dbSNP rs201894707, ClinGen allele CA369065778.

ClinVar aggregate classification (germline): Uncertain significance. Review status: criteria provided, multiple submitters, no conflicts (2 of 4 stars). 2 submissions from 2 submitters: Uncertain significance (2). Last evaluated 2025-06-11.

Conditions:
Hereditary cancer-predisposing syndrome. Also called: Hereditary Cancer Syndrome; Hereditary neoplastic syndrome; Neoplastic Syndromes, Hereditary; Tumor predisposition. Identifiers: Orphanet 140162, MedGen C0027672, MeSH D009386, MONDO:0015356.

Submissions (2):

Quest Diagnostics Nichols Institute San Juan Capistrano
Classification: Uncertain significance. Last evaluated: 2025-06-11. Review status: criteria provided, single submitter. Criteria: Quest Diagnostics criteria. Collection method: clinical testing. Allele origin: unknown.
Comment: The POT1 c.1423C>G (p.Pro475Ala) variant has not been reported in individuals with POT1-related conditions in the published literature. It also has not been reported in large, multi-ethnic general populations (Genome Aggregation Database). Analysis of this variant using bioinformatics tools for the prediction of the effect of amino acid changes on protein structure and function yielded predictions that this variant is damaging. Based on the available information, we are unable to determine the clinical significance of this variant.

Ambry Genetics
Classification: Uncertain significance for Hereditary cancer-predisposing syndrome. Last evaluated: 2022-07-24. Review status: criteria provided, single submitter. Criteria: Ambry Variant Classification Scheme 2023. Collection method: clinical testing. Allele origin: germline.
Comment: The p.P475A variant (also known as c.1423C>G), located in coding exon 11 of the POT1 gene, results from a C to G substitution at nucleotide position 1423. The proline at codon 475 is replaced by alanine, an amino acid with highly similar properties. This amino acid position is conserved. In addition, the in silico prediction for this alteration is inconclusive. Since supporting evidence is limited at this time, the clinical significance of this alteration remains unclear.